The following is an entry in ClinVar:

NM_006031.6(PCNT):c.7988G>A (p.Arg2663His)

Gene: PCNT (pericentrin; plus strand). Cytogenetic location: 21q22.3.
Variant type: single nucleotide variant.
Coding change: c.7988G>A on transcript NM_006031.6 (MANE Select); coding-DNA position 7988, G replaced by A.
Protein change: p.Arg2663His; replaces arginine 2663 with histidine.
Molecular consequence: missense variant.
Genome position (GRCh38, 1-based): chr21:46,430,581, G>A. VCF-style: chr21-46430581-G-A. GRCh37 (hg19) VCF-style: chr21-47850495-G-A.
Other names: c.7634G>A, p.Arg2545His (NM_001315529.2); short protein forms R2663H, R2545H.
Identifiers: ClinVar variation 436222 (VCV000436222.12), dbSNP rs778334017, ClinGen allele CA322015572.

ClinVar aggregate classification (germline): Uncertain significance. Review status: criteria provided, multiple submitters, no conflicts (2 of 4 stars). 3 submissions from 3 submitters: Uncertain significance (2). 1 of the submissions does not count toward it. Last evaluated 2022-03-02.

Conditions:
PCNT-related disorder. Also called: PCNT-related condition.

Allele frequency attached by ClinVar (database versions not stated): gnomAD exomes 0.00001; gnomAD 0.00002; TOPMed 0.00002.
gnomAD v4.1: 71 of 1,562,756 alleles (0.0045%); highest among the groups gnomAD compares: Middle Eastern, 0.022%; no homozygotes.

Submissions (3):

Labcorp Genetics (formerly Invitae), Labcorp
Classification: Uncertain significance. Last evaluated: 2022-03-02. Review status: criteria provided, single submitter. Criteria: Invitae Variant Classification Sherloc (09022015). Collection method: clinical testing. Allele origin: germline.
Comment: This sequence change replaces arginine, which is basic and polar, with histidine, which is basic and polar, at codon 2663 of the PCNT protein (p.Arg2663His). The frequency data for this variant in the population databases is considered unreliable, as metrics indicate poor data quality at this position in the gnomAD database. This variant has not been reported in the literature in individuals affected with PCNT-related conditions. ClinVar contains an entry for this variant (Variation ID: 436222). Algorithms developed to predict the effect of missense changes on protein structure and function output the following: SIFT: "Tolerated"; PolyPhen-2: "Possibly Damaging"; Align-GVGD: "Class C0". The histidine amino acid residue is found in multiple mammalian species, which suggests that this missense change does not adversely affect protein function. In summary, the available evidence is currently insufficient to determine the role of this variant in disease. Therefore, it has been classified as a Variant of Uncertain Significance.

Genetic Services Laboratory, University of Chicago
Classification: Uncertain significance. Last evaluated: 2016-09-12. Review status: criteria provided, single submitter. Criteria: ACMG Guidelines, 2015. Collection method: clinical testing. Allele origin: germline. Affected: no.

PreventionGenetics, part of Exact Sciences
Classification: Uncertain significance for PCNT-related condition. Last evaluated: 2024-01-30. Review status: no assertion criteria provided. Collection method: clinical testing. Allele origin: germline. Not counted in ClinVar's aggregate classification.
Comment: The PCNT c.7988G>A variant is predicted to result in the amino acid substitution p.Arg2663His. This variant was reported in an individual with intracranial aneurysm/subarachnoid hemorrhage; however no additional evidence was provided to support causation (Sauvigny et al. 2020. PubMed ID: 32367296). This variant is reported in 0.0028% of alleles in individuals of European (Non-Finnish) descent in gnomAD. At this time, the clinical significance of this variant is uncertain due to the absence of conclusive functional and genetic evidence.